The following is an entry in ClinVar:

ClinVar aggregate classification (germline): Benign. Review status: criteria provided, multiple submitters, no conflicts (2 of 4 stars). 3 submissions from 3 submitters: Benign (3). Last evaluated 2018-06-18.

Allele frequency attached by ClinVar (database versions not stated): gnomAD exomes 0.46539; TOPMed 0.46595; gnomAD 0.46977 and 0.47184; 1000 Genomes Project 30x 0.48579; 1000 Genomes Project 0.48602.
gnomAD v4.1: 436,227 of 934,790 alleles (47%); highest among the groups gnomAD compares: East Asian, 55%; 103,381 homozygotes.

Submissions (3):

GeneDx
Classification: Benign. Last evaluated: 2018-06-18. Review status: criteria provided, single submitter. Criteria: GeneDx Variant Classification (06012015). Collection method: clinical testing. Allele origin: germline. Affected: yes.
Comment: This variant is considered likely benign or benign based on one or more of the following criteria: it is a conservative change, it occurs at a poorly conserved position in the protein, it is predicted to be benign by multiple in silico algorithms, and/or has population frequency not consistent with disease.

Athena Diagnostics
Classification: Benign. Last evaluated: 2018-05-09. Review status: criteria provided, single submitter. Criteria: Athena Diagnostics Criteria. Collection method: clinical testing. Allele origin: germline.

Breakthrough Genomics
Classification: Benign. Review status: criteria provided, single submitter. Criteria: ACMG Guidelines, 2015. Collection method: not provided. Allele origin: germline. Inheritance: Autosomal dominant inheritance. Affected: yes.

NM_001844.5(COL2A1):c.1527+88T>C

Gene: COL2A1 (collagen type II alpha 1 chain; minus strand). Cytogenetic location: 12q13.11.
Variant type: single nucleotide variant.
Coding change: c.1527+88T>C on transcript NM_001844.5 (MANE Select); 88 bases into the intron after coding-DNA position 1527, T replaced by C.
Molecular consequence: intron variant.
Genome position (GRCh38, 1-based): chr12:47,986,248, A>G on the plus strand (T>C on the coding strand, the complement: COL2A1 is on the minus strand). VCF-style: chr12-47986248-A-G. GRCh37 (hg19) VCF-style: chr12-48380031-A-G.
Other names: c.1320+88T>C (NM_033150.3).
Identifiers: ClinVar variation 585507 (VCV000585507.4), dbSNP rs1635544, ClinGen allele CA13646576.
Genomic context (GRCh38, chr12:47,986,248, plus strand): 5'-GACTCCCTCTCCCCGCGGTGTGGATGGAGAAAGAGGAGGATGACATGCGGAAAAGTCACG[A>G]GACTTGACCAGAACACGGACCACAAGGACTCCACTTCCCTCTCGAGGTCACAGGCCCCAT-3'